The following is an entry in ClinVar:

ClinVar aggregate classification (germline): Uncertain significance (1 of 4 stars; one submission).

Conditions:
Jeune thoracic dystrophy. Also called: Short-rib thoracic dysplasia; Jeune syndrome; Infantile thoracic dystrophy; Thoracic pelvic phalangeal dystrophy; Jeune's syndrome; Chondroectodermal dysplasia-like syndrome. Identifiers: Orphanet 474, MedGen C0265275, MONDO:0018770.

Submission:

Labcorp Genetics (formerly Invitae), Labcorp
Classification: Uncertain significance for Jeune thoracic dystrophy. Last evaluated: 2022-06-04. Review status: criteria provided, single submitter. Criteria: Invitae Variant Classification Sherloc (09022015). Collection method: clinical testing. Allele origin: germline.
Comment: This sequence change replaces threonine, which is neutral and polar, with alanine, which is neutral and non-polar, at codon 631 of the IFT80 protein (p.Thr631Ala). This variant is not present in population databases (gnomAD no frequency). This variant has not been reported in the literature in individuals affected with IFT80-related conditions. Algorithms developed to predict the effect of missense changes on protein structure and function (SIFT, PolyPhen-2, Align-GVGD) all suggest that this variant is likely to be tolerated. In summary, the available evidence is currently insufficient to determine the role of this variant in disease. Therefore, it has been classified as a Variant of Uncertain Significance.

NM_020800.3(IFT80):c.1891A>G (p.Thr631Ala)

Genes: IFT80 (intraflagellar transport 80; minus strand), TRIM59-IFT80 (TRIM59-IFT80 readthrough (NMD candidate); minus strand). Cytogenetic location: 3q25.33.
Variant type: single nucleotide variant.
Coding change: c.1891A>G on transcript NM_020800.3 (MANE Select); coding-DNA position 1891, A replaced by G.
Protein change: p.Thr631Ala; replaces threonine 631 with alanine.
Molecular consequence: missense variant. On other transcripts: non-coding transcript variant (3).
Genome position (GRCh38, 1-based): chr3:160,277,616, T>C on the plus strand (A>G on the coding strand, the complement: IFT80 is on the minus strand). VCF-style: chr3-160277616-T-C. GRCh37 (hg19) VCF-style: chr3-159995404-T-C.
Other names: c.1480A>G, p.Thr494Ala (NM_001190241.2, NM_001190242.2); short protein forms T494A, T631A.
Identifiers: ClinVar variation 2038253 (VCV002038253.4), dbSNP rs2473100733, ClinGen allele CA355190585.